The following is an entry in ClinVar:

ClinVar aggregate classification (germline): Uncertain significance (1 of 4 stars; one submission).

Submission:

GeneDx
Classification: Uncertain significance. Last evaluated: 2022-09-15. Review status: criteria provided, single submitter. Criteria: GeneDx Variant Classification Process June 2021. Collection method: clinical testing. Allele origin: germline. Affected: yes.
Comment: Not observed at significant frequency in large population cohorts (gnomAD); In silico analysis supports that this missense variant has a deleterious effect on protein structure/function; Has not been previously published as pathogenic or benign to our knowledge

NM_001031710.3(KLHL7):c.440T>G (p.Leu147Arg)

Gene: KLHL7 (kelch like family member 7; plus strand). Cytogenetic location: 7p15.3.
Variant type: single nucleotide variant.
Coding change: c.440T>G on transcript NM_001031710.3 (MANE Select); coding-DNA position 440, T replaced by G.
Protein change: p.Leu147Arg; replaces leucine 147 with arginine.
Molecular consequence: missense variant. On other transcripts: non-coding transcript variant (2).
Genome position (GRCh38, 1-based): chr7:23,125,170, T>G. VCF-style: chr7-23125170-T-G. GRCh37 (hg19) VCF-style: chr7-23164789-T-G.
Other names: c.440T>G, p.Leu147Arg (NM_001172428.2); c.296T>G, p.Leu99Arg (NM_018846.5); short protein forms L147R, L99R.
Identifiers: ClinVar variation 2444620 (VCV002444620.1), dbSNP rs2534812134, ClinGen allele CA366975785.